The following is an entry in ClinVar:

ClinVar aggregate classification (germline): Likely benign. Review status: criteria provided, multiple submitters, no conflicts (2 of 4 stars). 4 submissions from 4 submitters: Likely benign (3). 1 of the submissions does not count toward it. Last evaluated 2025-12-17.

Conditions:
Nephronophthisis 15 (NPHP15). Identifiers: Orphanet 3156, MedGen C3541853, MONDO:0013917, OMIM 614845.
CEP164-related disorder. Also called: CEP164-related condition.

Allele frequency attached by ClinVar (database versions not stated): gnomAD 0.00001; gnomAD exomes 0.00002; TOPMed 0.00002; ExAC 0.00003.
gnomAD v4.1: 27 of 1,610,380 alleles (0.0017%); highest among the groups gnomAD compares: Middle Eastern, 0.18%; no homozygotes.

Submissions (4):

Labcorp Genetics (formerly Invitae), Labcorp
Classification: Likely benign for Nephronophthisis 15. Last evaluated: 2025-12-17. Review status: criteria provided, single submitter. Criteria: Invitae Variant Classification Sherloc (09022015). Collection method: clinical testing. Allele origin: germline.

Blueprint Genetics
Classification: Likely benign. Last evaluated: 2024-02-20. Review status: criteria provided, single submitter. Criteria: ACMG Guidelines, 2015. Collection method: clinical testing. Allele origin: germline.

Fulgent Genetics
Classification: Likely benign for Nephronophthisis 15. Last evaluated: 2022-04-20. Review status: criteria provided, single submitter. Criteria: ACMG Guidelines, 2015. Collection method: clinical testing. Allele origin: unknown.

PreventionGenetics, part of Exact Sciences
Classification: Likely benign for CEP164-related condition. Last evaluated: 2019-09-05. Review status: no assertion criteria provided. Collection method: clinical testing. Allele origin: germline. Not counted in ClinVar's aggregate classification.
Comment: This variant is classified as likely benign based on ACMG/AMP sequence variant interpretation guidelines (Richards et al. 2015 PMID: 25741868, with internal and published modifications).

NM_014956.5(CEP164):c.2268A>G (p.Glu756=)

Gene: CEP164 (centrosomal protein 164; plus strand). Cytogenetic location: 11q23.3.
Variant type: single nucleotide variant.
Coding change: c.2268A>G on transcript NM_014956.5 (MANE Select); coding-DNA position 2268, A replaced by G.
Protein change: p.Glu756=; no amino-acid change (glutamic acid 756 retained).
Molecular consequence: synonymous variant.
Genome position (GRCh38, 1-based): chr11:117,391,200, A>G. VCF-style: chr11-117391200-A-G. GRCh37 (hg19) VCF-style: chr11-117261916-A-G.
Other names: c.2277A>G, p.Glu759= (NM_001271933.2); c.2268A>G (NM_014956.4).
Identifiers: ClinVar variation 1604049 (VCV001604049.11), dbSNP rs750395570, ClinGen allele CA6295003.